The following is an entry in ClinVar:

NM_004360.5(CDH1):c.1712-8T>C

Gene: CDH1 (cadherin 1; plus strand). Cytogenetic location: 16q22.1.
Variant type: single nucleotide variant.
Coding change: c.1712-8T>C on transcript NM_004360.5 (MANE Select); 8 bases into the intron before coding-DNA position 1712, T replaced by C.
Molecular consequence: intron variant.
Genome position (GRCh38, 1-based): chr16:68,821,993, T>C. VCF-style: chr16-68821993-T-C. GRCh37 (hg19) VCF-style: chr16-68855896-T-C.
Other names: c.1712-8T>C (LRG_301t1); c.164-8T>C (NM_001317185.2); c.-254-8T>C (NM_001317186.2); c.1529-8T>C (NM_001317184.2).
Identifiers: ClinVar variation 414050 (VCV000414050.20), dbSNP rs1060504172, ClinGen allele CA16615400.

ClinVar aggregate classification (germline): Conflicting classifications of pathogenicity. Review status: criteria provided, conflicting classifications (1 of 4 stars). 7 submissions from 7 submitters: Uncertain significance (2); Likely benign (3). 2 of the submissions do not count toward it. Last evaluated 2026-01-10.

Conditions:
Hereditary cancer-predisposing syndrome. Also called: Tumor predisposition; Neoplastic Syndromes, Hereditary; Hereditary Cancer Syndrome; Hereditary neoplastic syndrome. Identifiers: Orphanet 140162, MedGen C0027672, MeSH D009386, MONDO:0015356.
Hereditary diffuse gastric adenocarcinoma (HDGC). Also called: DIFFUSE GASTRIC AND LOBULAR BREAST CANCER SYNDROME. Identifiers: Orphanet 26106, MedGen C1708349, MONDO:0007648, OMIM 137215.
Malignant tumor of breast. Also called: Malignant breast neoplasm; Cancer breast. Identifiers: MedGen C0006142, MONDO:0007254. Disease mechanism: loss of function.

Submissions (7):

Labcorp Genetics (formerly Invitae), Labcorp
Classification: Likely benign for Hereditary diffuse gastric adenocarcinoma. Last evaluated: 2026-01-10. Review status: criteria provided, single submitter. Criteria: Invitae Variant Classification Sherloc (09022015). Collection method: clinical testing. Allele origin: germline.

Quest Diagnostics Nichols Institute San Juan Capistrano
Classification: Uncertain significance. Last evaluated: 2025-02-18. Review status: criteria provided, single submitter. Criteria: Quest Diagnostics criteria. Collection method: clinical testing. Allele origin: unknown.
Comment: The CDH1 c.1712-8T>C variant has been reported in the published literature in a family with breast cancer (PMID: 36436516 (2023)). This variant has not been reported in large, multi-ethnic general populations (Genome Aggregation Database). Analysis of this variant using software algorithms for the prediction of the effect of nucleotide changes on splicing yielded predictions that this variant does not affect CDH1 mRNA splicing. Based on the available information, we are unable to determine the clinical significance of this variant.

Color Diagnostics, LLC DBA Color Health
Classification: Likely benign for Hereditary cancer-predisposing syndrome. Last evaluated: 2023-10-17. Review status: criteria provided, single submitter. Criteria: ACMG Guidelines, 2015. Collection method: clinical testing. Allele origin: germline.

Myriad Genetics, Inc.
Classification: Likely benign for Hereditary diffuse gastric adenocarcinoma. Last evaluated: 2023-03-03. Review status: criteria provided, single submitter. Criteria: Myriad Autosomal Dominant, Autosomal Recessive and X-Linked Classification Criteria (2023). Collection method: clinical testing. Allele origin: unknown.
Comment: This variant is considered likely benign. This variant is intronic and is not expected to impact mRNA splicing.

European Reference Network on Genetic Tumour Risk Syndromes (ERN-GENTURIS), i3s - Instituto de Investigação e Inovação em Saúde, University of Porto
Classification: Uncertain significance for Hereditary diffuse gastric adenocarcinoma. Last evaluated: 2022-08-01. Review status: criteria provided, single submitter. Criteria: Lee et al. (Hum Mutat. 2018). Collection method: clinical testing. Allele origin: germline. Inheritance: Autosomal dominant inheritance. Affected: no. Study: ERN GENTURIS.
Comment: PM2 (PMID: 30311375)

Counsyl
Classification: Likely benign for Hereditary diffuse gastric adenocarcinoma. Last evaluated: 2018-05-16. Review status: no assertion criteria provided. Collection method: clinical testing. Allele origin: unknown. Not counted in ClinVar's aggregate classification.

Department of Pathology and Laboratory Medicine, Sinai Health System
Classification: Likely benign for Malignant tumor of breast. Review status: no assertion criteria provided. Collection method: clinical testing. Allele origin: unknown. Affected: yes. Observed: 1 variant allele. Study: The Canadian Open Genetics Repository (COGR). Not counted in ClinVar's aggregate classification.
Comment: The CDH1 c.1712-8T>C variant was not identified in the literature nor was it identified in the dbSNP, Cosmic, MutDB, Insight Colon Cancer Gene Variant Database, or Zhejiang Colon Cancer Database. The variant was identified in ClinVar and Clinvitae (as likely benign by Invitae). The variant was not identified in the following control databases: the 1000 Genomes Project, the NHLBI GO Exome Sequencing Project, the Exome Aggregation Consortium (August 8th 2016), or the Genome Aggregation Database (Feb 27, 2017). The c.1712-8T>C variant is located in the 3' splice region but does not affect the invariant -1 and -2 positions. However, positions -3 and -5 to -12 are part of the splicing consensus sequence and variants involving these positions sometimes affect splicing. However, in silico or computational prediction software programs (SpliceSiteFinder, MaxEntScan, NNSPLICE, GeneSplicer, HumanSpliceFinder) do not predict a difference in splicing. In summary, based on the above information the clinical significance of this variant cannot be determined with certainty at this time although we would lean towards a more benign role for this variant. This variant is classified as likely benign.

Literature cited by the submitters: PubMed 36436516 (cited by Quest Diagnostics Nichols Institute San Juan Capistrano and European Reference Network on Genetic Tumour Risk Syndromes (ERN-GENTURIS), i3s - Instituto de Investigação e Inovação em Saúde, University of Porto).